The following is an entry in ClinVar:

NM_152281.3(GORAB):c.283G>A (p.Val95Ile)

Gene: GORAB (golgin, RAB6 interacting; plus strand). Cytogenetic location: 1q24.2.
Variant type: single nucleotide variant.
Coding change: c.283G>A on transcript NM_152281.3 (MANE Select); coding-DNA position 283, G replaced by A.
Protein change: p.Val95Ile; replaces valine 95 with isoleucine.
Molecular consequence: missense variant. On other transcripts: 5 prime UTR variant (1), non-coding transcript variant (1).
Genome position (GRCh38, 1-based): chr1:170,539,431, G>A. VCF-style: chr1-170539431-G-A. GRCh37 (hg19) VCF-style: chr1-170508572-G-A.
Other names: c.283G>A, p.Val95Ile (NM_001146039.2); c.-183G>A (NM_001320252.2); c.358G>A (NM_152281.2); short protein forms V95I.
Identifiers: ClinVar variation 1415390 (VCV001415390.7), dbSNP rs756398250, ClinGen allele CA1239086.

ClinVar aggregate classification (germline): Uncertain significance. Review status: criteria provided, multiple submitters, no conflicts (2 of 4 stars). 2 submissions from 2 submitters: Uncertain significance (2). Last evaluated 2025-12-26.

Conditions:
Inborn genetic diseases. Identifiers: MedGen C0950123, MeSH D030342.

Allele frequency attached by ClinVar (database versions not stated): gnomAD 0.00004; ExAC 0.00005; TOPMed 0.00005; gnomAD exomes 0.00006.

Submissions (2):

Labcorp Genetics (formerly Invitae), Labcorp
Classification: Uncertain significance. Last evaluated: 2025-12-26. Review status: criteria provided, single submitter. Criteria: Invitae Variant Classification Sherloc (09022015). Collection method: clinical testing. Allele origin: germline.
Comment: This sequence change replaces valine, which is neutral and non-polar, with isoleucine, which is neutral and non-polar, at codon 120 of the GORAB protein (p.Val120Ile). This variant is present in population databases (rs756398250, gnomAD 0.06%). This variant has not been reported in the literature in individuals affected with GORAB-related conditions. ClinVar contains an entry for this variant (Variation ID: 1415390). An algorithm developed to predict the effect of missense changes on protein structure and function outputs the following: PolyPhen-2: "Benign". The isoleucine amino acid residue is found in multiple mammalian species, which suggests that this missense change does not adversely affect protein function. In summary, the available evidence is currently insufficient to determine the role of this variant in disease. Therefore, it has been classified as a Variant of Uncertain Significance.

Ambry Genetics
Classification: Uncertain significance for Inborn genetic diseases. Last evaluated: 2025-11-12. Review status: criteria provided, single submitter. Criteria: Ambry Variant Classification Scheme 2023. Collection method: clinical testing. Allele origin: germline.